The following is an entry in ClinVar:

ClinVar aggregate classification (germline): Uncertain significance (1 of 4 stars; one submission).

Conditions:
Frontotemporal dementia and/or amyotrophic lateral sclerosis 6 (FTDALS6). Also called: VCP-Related Amyotrophic Lateral Sclerosis; VCP-Related Amyotrophic Lateral Sclerosis/Frontotemporal Dementia. Identifiers: Orphanet 275872, Orphanet 803, MedGen C5436279, MONDO:0013501, OMIM 613954.
Inclusion body myopathy with Paget disease of bone and frontotemporal dementia. Also called: Inclusion body myopathy with early-onset Paget disease and frontotemporal dementia. Identifiers: Orphanet 52430, MedGen C1833662, MONDO:0000507.

Allele frequency attached by ClinVar (database versions not stated): gnomAD exomes below 0.00001; TOPMed 0.00001.

Submission:

Labcorp Genetics (formerly Invitae), Labcorp
Classification: Uncertain significance for Inclusion body myopathy with Paget disease of bone and frontotemporal dementia; Frontotemporal dementia and/or amyotrophic lateral sclerosis 6. Last evaluated: 2025-11-03. Review status: criteria provided, single submitter. Criteria: Invitae Variant Classification Sherloc (09022015). Collection method: clinical testing. Allele origin: germline.
Comment: This sequence change replaces alanine, which is neutral and non-polar, with valine, which is neutral and non-polar, at codon 597 of the VCP protein (p.Ala597Val). This variant is present in population databases (no rsID available, gnomAD 0.003%). This variant has not been reported in the literature in individuals affected with VCP-related conditions. ClinVar contains an entry for this variant (Variation ID: 1431328). Invitae Evidence Modeling of protein sequence and biophysical properties (such as structural, functional, and spatial information, amino acid conservation, physicochemical variation, residue mobility, and thermodynamic stability) indicates that this missense variant is not expected to disrupt VCP protein function with a negative predictive value of 80%. In summary, the available evidence is currently insufficient to determine the role of this variant in disease. Therefore, it has been classified as a Variant of Uncertain Significance.

NM_007126.5(VCP):c.1790C>T (p.Ala597Val)

Gene: VCP (valosin containing protein; minus strand). Cytogenetic location: 9p13.3.
Variant type: single nucleotide variant.
Coding change: c.1790C>T on transcript NM_007126.5 (MANE Select); coding-DNA position 1790, C replaced by T.
Protein change: p.Ala597Val; replaces alanine 597 with valine.
Molecular consequence: missense variant.
Genome position (GRCh38, 1-based): chr9:35,059,707, G>A on the plus strand (C>T on the coding strand, the complement: VCP is on the minus strand). VCF-style: chr9-35059707-G-A. GRCh37 (hg19) VCF-style: chr9-35059704-G-A.
Other names: c.1655C>T, p.Ala552Val (NM_001354927.2, NM_001354928.2); short protein forms A552V, A597V.
Identifiers: ClinVar variation 1431328 (VCV001431328.6), dbSNP rs890637602, ClinGen allele CA192679693.
Genomic context (GRCh38, chr9:35,059,707, plus strand): 5'-ACATTTTTTTTTGTGGACATGCCATCCATTTCTGTCAGGATCTGGTTGATGACTCGGTCA[G>A]CAGCCCCACCACCATCTCCAATGTTACCTCCACGAGCCTTGGCAATCGAATCCAGCTCAT-3'
Protein context (NP_009057.1, residues 587-607): GGNIGDGGGA[Ala597Val]DRVINQILTE